The following is an entry in ClinVar:

ClinVar aggregate classification (germline): Pathogenic/Likely pathogenic. Review status: criteria provided, multiple submitters, no conflicts (2 of 4 stars). 7 submissions from 7 submitters: Pathogenic (5); Likely pathogenic (1). 1 of the submissions does not count toward it. Last evaluated 2025-12-16.

Conditions:
Autosomal recessive limb-girdle muscular dystrophy type 2B (LGMDR2). Also called: Limb-Girdle Muscular Dystrophy Type 2B (LGMD2B); MUSCULAR DYSTROPHY, LIMB-GIRDLE, AUTOSOMAL RECESSIVE 2; MUSCULAR DYSTROPHY, LIMB-GIRDLE, TYPE 3; Limb-girdle muscular dystrophy, type 2B. Identifiers: Orphanet 268, MedGen C1850889, MONDO:0009676, OMIM 253601.
Miyoshi muscular dystrophy 1 (MMD1). Identifiers: Orphanet 45448, MedGen C4551973, MONDO:0024545, OMIM 254130.
Distal myopathy with anterior tibial onset. Identifiers: Orphanet 178400, MedGen C1847532, MONDO:0011721, OMIM 606768.
Neuromuscular disease caused by qualitative or quantitative defects of dysferlin. Also called: Dysferlinopathy; Qualitative or quantitative defects of dysferlin. Identifiers: Orphanet 207073, MedGen C2931687, MONDO:0016145.

Allele frequency attached by ClinVar (database versions not stated): TOPMed below 0.00001.

Submissions (7):

Labcorp Genetics (formerly Invitae), Labcorp
Classification: Pathogenic for Neuromuscular disease caused by qualitative or quantitative defects of dysferlin. Last evaluated: 2025-12-16. Review status: criteria provided, single submitter. Criteria: Invitae Variant Classification Sherloc (09022015). Collection method: clinical testing. Allele origin: germline.
Comment: This sequence change creates a premature translational stop signal (p.Ala115Profs*36) in the DYSF gene. It is expected to result in an absent or disrupted protein product. Loss-of-function variants in DYSF are known to be pathogenic (PMID: 17698709, 20301480). This variant is not present in population databases (gnomAD no frequency). This premature translational stop signal has been observed in individual(s) with dysferlinopathy (PMID: 27647186). ClinVar contains an entry for this variant (Variation ID: 282316). For these reasons, this variant has been classified as Pathogenic.

Baylor Genetics
Classification: Pathogenic for Miyoshi muscular dystrophy 1. Last evaluated: 2024-03-02. Review status: criteria provided, single submitter. Criteria: ACMG Guidelines, 2015. Collection method: clinical testing. Allele origin: unknown.

Fulgent Genetics
Classification: Likely pathogenic for Autosomal recessive limb-girdle muscular dystrophy type 2B; Miyoshi muscular dystrophy 1; Distal myopathy with anterior tibial onset. Last evaluated: 2022-05-12. Review status: criteria provided, single submitter. Criteria: ACMG Guidelines, 2015. Collection method: clinical testing. Allele origin: unknown.

CeGaT Center for Human Genetics Tuebingen
Classification: Pathogenic. Last evaluated: 2018-10-01. Review status: criteria provided, single submitter. Criteria: CeGaT Center For Human Genetics Tuebingen Variant Classification Criteria Version 2. Collection method: clinical testing. Allele origin: germline. Affected: yes. Observed: 1 variant allele.

Eurofins Ntd Llc (ga)
Classification: Pathogenic. Last evaluated: 2015-09-14. Review status: criteria provided, single submitter. Criteria: EGL Classification Definitions 2015. Collection method: clinical testing. Allele origin: germline. Observed: 2 variant alleles, 1 heterozygote, 1 homozygote.

Juno Genomics, Hangzhou Juno Genomics, Inc
Classification: Pathogenic for Miyoshi muscular dystrophy 1; Autosomal recessive limb-girdle muscular dystrophy type 2B; Distal myopathy with anterior tibial onset. Review status: criteria provided, single submitter. Criteria: ACMG Guidelines, 2015. Collection method: clinical testing. Allele origin: germline.
Comment: Absent from controls (or at extremely low frequency if recessive) in Genome Aggregation Database.;Null variant in a gene where loss of function (LOF) is a known mechanism of disease.;For recessive disorders, detected in trans with a pathogenic variant.;Patient's phenotype or family history is highly specific for a disease with a single genetic etiology.

Counsyl
Classification: Likely pathogenic for Autosomal recessive limb-girdle muscular dystrophy type 2B. Last evaluated: 2017-04-12. Review status: no assertion criteria provided. Collection method: clinical testing. Allele origin: unknown. Not counted in ClinVar's aggregate classification.

Literature cited by the submitters: PubMed 17698709 (cited by Labcorp Genetics (formerly Invitae), Labcorp); PubMed 20301480 (cited by Labcorp Genetics (formerly Invitae), Labcorp); PubMed 27647186 (cited by Labcorp Genetics (formerly Invitae), Labcorp and Counsyl).

NM_001130987.2(DYSF):c.342del (p.Ala116fs)

Gene: DYSF (dysferlin; plus strand). Cytogenetic location: 2p13.2.
Variant type: Deletion.
Coding change: c.342del on transcript NM_001130987.2 (MANE Select); coding-DNA position 342, one base deleted (A; older notation c.342delA).
Protein change: p.Ala116fs; shifts the reading frame from alanine 116.
Molecular consequence: frameshift variant.
Genome position (GRCh38, 1-based): chr2:71,503,316, A deleted. VCF-style (leftmost placement, unchanged base first): chr2-71503315-CA-C. GRCh37 (hg19) VCF-style: chr2-71730445-CA-C.
Other names: c.342del, p.Ala116fs (NM_001130455.2, NM_001130982.2, NM_001130983.2 and 3 more transcripts); c.339del, p.Ala115fs (NM_001130976.2, NM_001130977.2, NM_001130978.2 and 4 more transcripts); c.339del (NM_003494.3); short protein forms A115fs, A116fs.
Identifiers: ClinVar variation 282316 (VCV000282316.59), dbSNP rs886042379, ClinGen allele CA10604146.